The following is an entry in ClinVar:

ClinVar aggregate classification (germline): Benign/Likely benign. Review status: criteria provided, multiple submitters, no conflicts (2 of 4 stars). 9 submissions from 9 submitters: Benign (2); Likely benign (4). 3 of the submissions do not count toward it. Last evaluated 2026-08-01.

Conditions:
ORC1-related disorder. Also called: ORC1-related condition.
Meier-Gorlin syndrome 1 (MGORS1). Also called: EAR, PATELLA, SHORT STATURE SYNDROME. Identifiers: Orphanet 2554, MedGen C4552001, MONDO:0009143, OMIM 224690.

Allele frequency attached by ClinVar (database versions not stated): gnomAD 0.00642 and 0.00653; gnomAD exomes 0.00884 and 0.00636; 1000 Genomes Project 30x 0.00375; 1000 Genomes Project 0.00379; TOPMed 0.00493; ESP Exome Variant Server 0.00554; ExAC 0.00557.
gnomAD v4.1: 13,810 of 1,613,970 alleles (0.86%); highest among the groups gnomAD compares: Non-Finnish European, 0.95%; 91 homozygotes.

Submissions (9):

CeGaT Center for Human Genetics Tuebingen
Classification: Likely benign. Last evaluated: 2026-08-01. Review status: criteria provided, single submitter. Criteria: CeGaT Center For Human Genetics Tuebingen Variant Classification Criteria Version 2. Collection method: clinical testing. Allele origin: germline. Affected: yes. Observed: 8 variant alleles.
Comment: ORC1: BP4, BS2

Labcorp Genetics (formerly Invitae), Labcorp
Classification: Benign. Last evaluated: 2026-01-27. Review status: criteria provided, single submitter. Criteria: Invitae Variant Classification Sherloc (09022015). Collection method: clinical testing. Allele origin: germline.

Fulgent Genetics
Classification: Likely benign for Meier-Gorlin syndrome 1. Last evaluated: 2021-09-01. Review status: criteria provided, single submitter. Criteria: ACMG Guidelines, 2015. Collection method: clinical testing. Allele origin: unknown.

Illumina Laboratory Services, Illumina
Classification: Likely benign for Meier-Gorlin syndrome 1. Last evaluated: 2018-01-13. Review status: criteria provided, single submitter. Criteria: ICSL Variant Classification Criteria 13 December 2019. Collection method: clinical testing. Allele origin: germline.
Comment: This variant was observed in the ICSL laboratory as part of a predisposition screen in an ostensibly healthy population. It had not been previously curated by ICSL or reported in the Human Gene Mutation Database (HGMD: prior to June 1st, 2018), and was therefore a candidate for classification through an automated scoring system. Utilizing variant allele frequency, disease prevalence and penetrance estimates, and inheritance mode, an automated score was calculated to assess if this variant is too frequent to cause the disease. Based on the score and internal cut-off values, a variant classified as likely benign is not then subjected to further curation. The score for this variant resulted in a classification of likely benign for this disease.

Genetic Services Laboratory, University of Chicago
Classification: Benign. Last evaluated: 2016-07-29. Review status: criteria provided, single submitter. Criteria: ACMG Guidelines, 2015. Collection method: clinical testing. Allele origin: germline. Affected: no.

Breakthrough Genomics
Classification: Likely benign. Review status: criteria provided, single submitter. Criteria: ACMG Guidelines, 2015. Collection method: not provided. Allele origin: germline. Inheritance: Autosomal recessive inheritance. Affected: yes.

PreventionGenetics, part of Exact Sciences
Classification: Benign for ORC1-related condition. Last evaluated: 2019-04-29. Review status: no assertion criteria provided. Collection method: clinical testing. Allele origin: germline. Not counted in ClinVar's aggregate classification.
Comment: This variant is classified as benign based on ACMG/AMP sequence variant interpretation guidelines (Richards et al. 2015 PMID: 25741868, with internal and published modifications).

Clinical Genetics DNA and cytogenetics Diagnostics Lab, Erasmus MC, Erasmus Medical Center
Classification: Likely benign. Review status: no assertion criteria provided. Collection method: clinical testing. Allele origin: germline. Affected: yes. Study: VKGL Data-share Consensus. Not counted in ClinVar's aggregate classification.

Laboratory of Diagnostic Genome Analysis, Leiden University Medical Center (LUMC)
Classification: Likely benign. Review status: no assertion criteria provided. Collection method: clinical testing. Allele origin: germline. Affected: yes. Study: VKGL Data-share Consensus. Not counted in ClinVar's aggregate classification.

NM_004153.4(ORC1):c.806C>T (p.Ser269Leu)

Gene: ORC1 (origin recognition complex subunit 1; minus strand). Cytogenetic location: 1p32.3.
Variant type: single nucleotide variant.
Coding change: c.806C>T on transcript NM_004153.4 (MANE Select); coding-DNA position 806, C replaced by T.
Protein change: p.Ser269Leu; replaces serine 269 with leucine.
Molecular consequence: missense variant.
Genome position (GRCh38, 1-based): chr1:52,393,719, G>A on the plus strand (C>T on the coding strand, the complement: ORC1 is on the minus strand). VCF-style: chr1-52393719-G-A. GRCh37 (hg19) VCF-style: chr1-52859391-G-A.
Other names: c.806C>T, p.Ser269Leu (NM_001190818.2, NM_001190819.2); short protein forms S269L.
Identifiers: ClinVar variation 129864 (VCV000129864.65), dbSNP rs61753390, ClinGen allele CA154204.